The following is an entry in ClinVar:

ClinVar aggregate classification (germline): Likely benign. Review status: criteria provided, multiple submitters, no conflicts (2 of 4 stars). 6 submissions from 6 submitters: Likely benign (6). Last evaluated 2026-05-01.

Allele frequency attached by ClinVar (database versions not stated): gnomAD exomes 0.00016 and 0.00046; ExAC 0.00060; gnomAD 0.00164 and 0.00183; TOPMed 0.00198; ESP Exome Variant Server 0.00215; 1000 Genomes Project 30x 0.00265; 1000 Genomes Project 0.00300.
gnomAD v4.1: 493 of 1,614,096 alleles (0.031%); highest among the groups gnomAD compares: African/African-American, 0.56%; 1 homozygote.

Submissions (6):

CeGaT Center for Human Genetics Tuebingen
Classification: Likely benign. Last evaluated: 2026-05-01. Review status: criteria provided, single submitter. Criteria: CeGaT Center For Human Genetics Tuebingen Variant Classification Criteria Version 2. Collection method: clinical testing. Allele origin: germline. Affected: yes. Observed: 1 variant allele.
Comment: NLRP1: BP4, BS1

Women's Health and Genetics/Laboratory Corporation of America, LabCorp
Classification: Likely benign. Last evaluated: 2026-04-09. Review status: criteria provided, single submitter. Criteria: LabCorp Variant Classification Summary - May 2015. Collection method: clinical testing. Allele origin: germline.
Comment: Variant summary: NLRP1 c.446G>C (p.Arg149Thr) results in a non-conservative amino acid change in the encoded protein sequence. Algorithms developed to predict the effect of missense changes on protein structure and function are either unavailable or do not agree on the potential impact of this missense change. Consensus agreement among computation tools predict no significant impact on normal splicing. However, these predictions have yet to be confirmed by functional studies. The variant allele was found at a frequency of 0.00046 in 250848 control chromosomes, predominantly at a frequency of 0.0059 within the African or African-American subpopulation in the gnomAD database. The observed variant frequency within African or African-American control individuals in the gnomAD database exceeds the estimated maximal expected allele frequency for disease-causing variants in NLRP1. To our knowledge, no occurrence of c.446G>C in individuals affected with NLRP1-related conditions and no experimental evidence demonstrating its impact on protein function have been reported. ClinVar contains an entry for this variant (Variation ID: 722402). Based on the evidence outlined above, the variant was classified as likely benign.

Labcorp Genetics (formerly Invitae), Labcorp
Classification: Likely benign. Last evaluated: 2026-01-08. Review status: criteria provided, single submitter. Criteria: Invitae Variant Classification Sherloc (09022015). Collection method: clinical testing. Allele origin: germline.

Mayo Clinic Laboratories, Mayo Clinic
Classification: Likely benign. Last evaluated: 2025-07-23. Review status: criteria provided, single submitter. Criteria: ACMG Guidelines, 2015. Collection method: clinical testing. Allele origin: germline. Observed: 1 variant allele.
Comment: BS1, BP4_moderate

Blueprint Genetics
Classification: Likely benign. Last evaluated: 2024-10-08. Review status: criteria provided, single submitter. Criteria: ACMG Guidelines, 2015. Collection method: clinical testing. Allele origin: germline.

Breakthrough Genomics
Classification: Likely benign. Review status: criteria provided, single submitter. Criteria: ACMG Guidelines, 2015. Collection method: not provided. Allele origin: germline. Inheritance: Autosomal recessive inheritance. Affected: yes.

NM_033004.4(NLRP1):c.446G>C (p.Arg149Thr)

Gene: NLRP1 (NLR family pyrin domain containing 1; minus strand). Cytogenetic location: 17p13.2.
Variant type: single nucleotide variant.
Coding change: c.446G>C on transcript NM_033004.4 (MANE Select); coding-DNA position 446, G replaced by C.
Protein change: p.Arg149Thr; replaces arginine 149 with threonine.
Molecular consequence: missense variant.
Genome position (GRCh38, 1-based): chr17:5,582,672, C>G on the plus strand (G>C on the coding strand, the complement: NLRP1 is on the minus strand). VCF-style: chr17-5582672-C-G. GRCh37 (hg19) VCF-style: chr17-5485992-C-G.
Other names: p.Arg149Thr; c.446G>C, p.Arg149Thr (NM_001033053.3, NM_014922.5, NM_033006.4 and 1 more transcripts); short protein forms R149T.
Identifiers: ClinVar variation 722402 (VCV000722402.17), dbSNP rs144338088, ClinGen allele CA8327577.